The following is an entry in ClinVar:

ClinVar aggregate classification (germline): Benign/Likely benign. Review status: criteria provided, multiple submitters, no conflicts (2 of 4 stars). 4 submissions from 4 submitters: Benign (2); Likely benign (2). Last evaluated 2026-09-30.

Conditions:
Hereditary cancer-predisposing syndrome. Also called: Tumor predisposition; Neoplastic Syndromes, Hereditary; Hereditary Cancer Syndrome; Hereditary neoplastic syndrome. Identifiers: Orphanet 140162, MedGen C0027672, MeSH D009386, MONDO:0015356.
Rhabdoid tumor predisposition syndrome 2 (RTPS2). Identifiers: Orphanet 231108, Orphanet 69077, MedGen C2750074, MONDO:0013224, OMIM 613325.

Allele frequency attached by ClinVar (database versions not stated): TOPMed 0.00001; gnomAD 0.00003 and 0.00004; gnomAD exomes below 0.00001; ExAC 0.00001.
gnomAD v4.1: 6 of 1,610,562 alleles (0.00037%); highest among the groups gnomAD compares: African/African-American, 0.0067%; no homozygotes.

Submissions (4):

Myriad Genetics, Inc.
Classification: Benign for Rhabdoid tumor predisposition syndrome 2. Last evaluated: 2026-09-30. Review status: criteria provided, single submitter. Criteria: Myriad Autosomal Dominant, Autosomal Recessive and X-Linked Classification Criteria (2023). Collection method: clinical testing. Allele origin: unknown.
Comment: This variant is considered benign. This variant is a silent/synonymous amino acid change and it is not expected to impact splicing.

Labcorp Genetics (formerly Invitae), Labcorp
Classification: Likely benign for Rhabdoid tumor predisposition syndrome 2. Last evaluated: 2025-11-28. Review status: criteria provided, single submitter. Criteria: Invitae Variant Classification Sherloc (09022015). Collection method: clinical testing. Allele origin: germline.

Sema4
Classification: Benign for Hereditary cancer-predisposing syndrome. Last evaluated: 2021-05-31. Review status: criteria provided, single submitter. Criteria: Sema4 Curation Guidelines. Collection method: curation. Allele origin: germline.

Ambry Genetics
Classification: Likely benign for Hereditary cancer-predisposing syndrome. Last evaluated: 2015-07-09. Review status: criteria provided, single submitter. Criteria: Ambry Variant Classification Scheme 2023. Collection method: clinical testing. Allele origin: germline.

NM_003072.5(SMARCA4):c.4182G>A (p.Glu1394=)

Gene: SMARCA4 (SWI/SNF related BAF chromatin remodeling complex subunit ATPase 4; plus strand). Cytogenetic location: 19p13.2.
Variant type: single nucleotide variant.
Coding change: c.4182G>A on transcript NM_003072.5 (MANE Select); coding-DNA position 4182, G replaced by A.
Protein change: p.Glu1394=; no amino-acid change (glutamic acid 1394 retained).
Molecular consequence: synonymous variant. On other transcripts: non-coding transcript variant (1).
Genome position (GRCh38, 1-based): chr19:11,041,318, G>A. VCF-style: chr19-11041318-G-A. GRCh37 (hg19) VCF-style: chr19-11151994-G-A.
Other names: c.4182G>A, p.Glu1394= (NM_001128844.3); c.4092G>A, p.Glu1364= (NM_001128845.2, NM_001128846.2); c.4083G>A, p.Glu1361= (NM_001128847.4, NM_001128848.2, NM_001374457.1); c.4278G>A, p.Glu1426= (NM_001128849.3, NM_001387283.1).
Identifiers: ClinVar variation 537895 (VCV000537895.13), dbSNP rs763867884, ClinGen allele CA9204673.